The following is an entry in ClinVar:

ClinVar aggregate classification (germline): Uncertain significance. Review status: criteria provided, multiple submitters, no conflicts (2 of 4 stars). 2 submissions from 2 submitters: Uncertain significance (2). Last evaluated 2025-05-30.

Conditions:
Inborn genetic diseases. Identifiers: MedGen C0950123, MeSH D030342.

Allele frequency attached by ClinVar (database versions not stated): TOPMed below 0.00001; gnomAD 0.00002; gnomAD exomes 0.00007 and 0.00015; ExAC 0.00017; 1000 Genomes Project 0.00020; 1000 Genomes Project 30x 0.00031.
gnomAD v4.1: 112 of 1,614,042 alleles (0.0069%); highest among the groups gnomAD compares: South Asian, 0.11%; 1 homozygote.

Submissions (2):

Labcorp Genetics (formerly Invitae), Labcorp
Classification: Uncertain significance. Last evaluated: 2025-05-30. Review status: criteria provided, single submitter. Criteria: Invitae Variant Classification Sherloc (09022015). Collection method: clinical testing. Allele origin: germline.
Comment: This sequence change replaces threonine, which is neutral and polar, with alanine, which is neutral and non-polar, at codon 514 of the PLK4 protein (p.Thr514Ala). This variant is present in population databases (rs546408710, gnomAD 0.1%). This variant has not been reported in the literature in individuals affected with PLK4-related conditions. ClinVar contains an entry for this variant (Variation ID: 1483668). An algorithm developed to predict the effect of missense changes on protein structure and function outputs the following: PolyPhen-2: "Benign". The alanine amino acid residue is found in multiple mammalian species, which suggests that this missense change does not adversely affect protein function. In summary, the available evidence is currently insufficient to determine the role of this variant in disease. Therefore, it has been classified as a Variant of Uncertain Significance.

Ambry Genetics
Classification: Uncertain significance for Inborn genetic diseases. Last evaluated: 2021-12-07. Review status: criteria provided, single submitter. Criteria: Ambry Variant Classification Scheme 2023. Collection method: clinical testing. Allele origin: germline.

NM_014264.5(PLK4):c.1540A>G (p.Thr514Ala)

Gene: PLK4 (polo like kinase 4; plus strand). Cytogenetic location: 4q28.1.
Variant type: single nucleotide variant.
Coding change: c.1540A>G on transcript NM_014264.5 (MANE Select); coding-DNA position 1540, A replaced by G.
Protein change: p.Thr514Ala; replaces threonine 514 with alanine.
Molecular consequence: missense variant.
Genome position (GRCh38, 1-based): chr4:127,889,946, A>G. VCF-style: chr4-127889946-A-G. GRCh37 (hg19) VCF-style: chr4-128811101-A-G.
Other names: c.1540A>G (NM_014264.4); c.1444A>G, p.Thr482Ala (NM_001190799.2); c.1417A>G, p.Thr473Ala (NM_001190801.2); short protein forms T473A, T482A, T514A.
Identifiers: ClinVar variation 1483668 (VCV001483668.8), dbSNP rs546408710, ClinGen allele CA3076802.
Genomic context (GRCh38, chr4:127,889,946, plus strand): 5'-GAATATGACAGCATCAGCCCAAACCGGGACTTCCAGGGCCATCCAGATTTGCAGAAGGAC[A>G]CATCAAAAAATGCCTGGACTGATACAAAAGTCAAAAAGAACTCTGATGCTTCTGATAATG-3'
Protein context (NP_055079.3, residues 504-524): FQGHPDLQKD[Thr514Ala]SKNAWTDTKV